The following is an entry in ClinVar:

ClinVar aggregate classification (germline): Uncertain significance (1 of 4 stars; one submission).

gnomAD v4.1: 32 of 1,614,006 alleles (0.002%); highest among the groups gnomAD compares: Admixed American, 0.013%; no homozygotes.

Submission:

Labcorp Genetics (formerly Invitae), Labcorp
Classification: Uncertain significance. Last evaluated: 2025-10-21. Review status: criteria provided, single submitter. Criteria: Invitae Variant Classification Sherloc (09022015). Collection method: clinical testing. Allele origin: germline.
Comment: This sequence change replaces alanine, which is neutral and non-polar, with valine, which is neutral and non-polar, at codon 2449 of the DNAH9 protein (p.Ala2449Val). This variant is present in population databases (rs756091405, gnomAD 0.02%). This variant has not been reported in the literature in individuals affected with DNAH9-related conditions. ClinVar contains an entry for this variant (Variation ID: 2066812). An algorithm developed to predict the effect of missense changes on protein structure and function (PolyPhen-2) suggests that this variant is likely to be tolerated. In summary, the available evidence is currently insufficient to determine the role of this variant in disease. Therefore, it has been classified as a Variant of Uncertain Significance.

NM_001372.4(DNAH9):c.7346C>T (p.Ala2449Val)

Gene: DNAH9 (dynein axonemal heavy chain 9; plus strand). Cytogenetic location: 17p12.
Variant type: single nucleotide variant.
Coding change: c.7346C>T on transcript NM_001372.4 (MANE Select); coding-DNA position 7346, C replaced by T.
Protein change: p.Ala2449Val; replaces alanine 2449 with valine.
Molecular consequence: missense variant.
Genome position (GRCh38, 1-based): chr17:11,769,123, C>T. VCF-style: chr17-11769123-C-T. GRCh37 (hg19) VCF-style: chr17-11672440-C-T.
Other names: short protein forms A2449V.
Identifiers: ClinVar variation 2066812 (VCV002066812.2), dbSNP rs756091405, ClinGen allele CA8396607.